The following is an entry in ClinVar:

NM_001367624.2(ZNF469):c.2209G>T (p.Asp737Tyr)

Gene: ZNF469 (zinc finger protein 469; plus strand). Cytogenetic location: 16q24.2.
Variant type: single nucleotide variant.
Coding change: c.2209G>T on transcript NM_001367624.2 (MANE Select); coding-DNA position 2209, G replaced by T.
Protein change: p.Asp737Tyr; replaces aspartic acid 737 with tyrosine.
Molecular consequence: missense variant.
Genome position (GRCh38, 1-based): chr16:88,429,679, G>T. VCF-style: chr16-88429679-G-T. GRCh37 (hg19) VCF-style: chr16-88496087-G-T.
Other names: NM_001127464.1:c.2209G>T; short protein forms D737Y.
Identifiers: ClinVar variation 1787733 (VCV001787733.7), dbSNP rs1905991107, ClinGen allele CA397070556.

ClinVar aggregate classification (germline): Uncertain significance. Review status: criteria provided, multiple submitters, no conflicts (2 of 4 stars). 2 submissions from 2 submitters: Uncertain significance (2). Last evaluated 2022-04-07.

Conditions:
Cardiovascular phenotype. Identifiers: MedGen CN230736.

Allele frequency attached by ClinVar (database versions not stated): TOPMed below 0.00001; gnomAD 0.00001.

Submissions (2):

Labcorp Genetics (formerly Invitae), Labcorp
Classification: Uncertain significance. Last evaluated: 2022-04-07. Review status: criteria provided, single submitter. Criteria: Invitae Variant Classification Sherloc (09022015). Collection method: clinical testing. Allele origin: germline.
Comment: In summary, the available evidence is currently insufficient to determine the role of this variant in disease. Therefore, it has been classified as a Variant of Uncertain Significance. Algorithms developed to predict the effect of missense changes on protein structure and function are either unavailable or do not agree on the potential impact of this missense change (SIFT: "Deleterious"; PolyPhen-2: "Probably Damaging"; Align-GVGD: "Class C0"). This variant has not been reported in the literature in individuals affected with ZNF469-related conditions. This sequence change replaces aspartic acid, which is acidic and polar, with tyrosine, which is neutral and polar, at codon 737 of the ZNF469 protein (p.Asp737Tyr). This variant is not present in population databases (gnomAD no frequency).

Ambry Genetics
Classification: Uncertain significance for Cardiovascular phenotype. Last evaluated: 2021-07-30. Review status: criteria provided, single submitter. Criteria: Ambry Variant Classification Scheme 2023. Collection method: clinical testing. Allele origin: germline.
Comment: The p.D737Y variant (also known as c.2209G>T), located in coding exon 1 of the ZNF469 gene, results from a G to T substitution at nucleotide position 2209. The aspartic acid at codon 737 is replaced by tyrosine, an amino acid with highly dissimilar properties. This amino acid position is conserved. In addition, the in silico prediction for this alteration is inconclusive. Since supporting evidence is limited at this time, the clinical significance of this alteration remains unclear.